The following is an entry in ClinVar:

NM_024426.6(WT1):c.548G>A (p.Gly183Glu)

Genes: WT1 (WT1 transcription factor; minus strand), LOC107982234 (WT1/WT1-AS bi-directional promoter region; plus strand). Cytogenetic location: 11p13.
Variant type: single nucleotide variant.
Coding change: c.548G>A on transcript NM_024426.6 (MANE Select); coding-DNA position 548, G replaced by A.
Protein change: p.Gly183Glu; replaces glycine 183 with glutamic acid.
Molecular consequence: missense variant. On other transcripts: non-coding transcript variant (1).
Genome position (GRCh38, 1-based): chr11:32,434,813, C>T on the plus strand (G>A on the coding strand, the complement: WT1 is on the minus strand). VCF-style: chr11-32434813-C-T. GRCh37 (hg19) VCF-style: chr11-32456359-C-T.
Other names: c.548G>A, p.Gly183Glu (NM_000378.6, NM_024424.5); short protein forms G183E.
Identifiers: ClinVar variation 406684 (VCV000406684.9), dbSNP rs1060501256, ClinGen allele CA16613602.
Genomic context (GRCh38, chr11:32,434,813, plus strand): 5'-TTAGGAAACATCCTGGCCTGGCCGGATGACGCCTGGCTGGGCGGAGGAGGACCGAAGGGC[C>T]CGTAGCGACAGGCTCCGGCTGTGCCAGTGAACTGGCCGGAAAAGTGGACAGTGAAGGCGC-3'
Protein context (NP_077744.4, residues 173-193): FTGTAGACRY[Gly183Glu]PFGPPPPSQA

ClinVar aggregate classification (germline): Uncertain significance (1 of 4 stars; one submission).

Conditions:
Wilms tumor 1 (WT1). Also called: Wilms tumor, somatic. Identifiers: Orphanet 654, MedGen CN033288, MONDO:0008679, OMIM 194070.
Frasier syndrome. Identifiers: Orphanet 347, MedGen C0950122, MeSH D052159, MONDO:0007635, OMIM 136680.
Drash syndrome (DDS). Also called: NEPHROPATHY, WILMS TUMOR, AND GENITAL ANOMALIES; WILMS TUMOR AND PSEUDO- OR TRUE HERMAPHRODITISM. Identifiers: Orphanet 220, MedGen C0950121, MONDO:0008682, OMIM 194080.
11p partial monosomy syndrome (WAGR). Also called: CHROMOSOME 11p13 DELETION SYNDROME; WAGR syndrome; WAGR Complex; WAGR Spectrum Disorder. Identifiers: Orphanet 893, MedGen C0206115, MONDO:0008681, OMIM 194072.

Submission:

Labcorp Genetics (formerly Invitae), Labcorp
Classification: Uncertain significance for Wilms tumor 1; Drash syndrome; 11p partial monosomy syndrome; Frasier syndrome. Last evaluated: 2016-12-05. Review status: criteria provided, single submitter. Criteria: Invitae Variant Classification Sherloc (09022015). Collection method: clinical testing. Allele origin: germline.
Comment: This sequence change replaces glycine with glutamic acid at codon 178 of the WT1 protein (p.Gly178Glu). The glycine residue is highly conserved and there is a moderate physicochemical difference between glycine and glutamic acid. This variant is not present in population databases (ExAC no frequency) and has not been reported in the literature in individuals with a WT1-related disease. Algorithms developed to predict the effect of missense changes on protein structure and function do not agree on the potential impact of this missense change (SIFT: "Deleterious"; PolyPhen-2: "Benign"; Align-GVGD: "Class C65"). In summary, this variant is a novel missense change with uncertain impact on protein function. It has been classified as a Variant of Uncertain Significance.